The following is an entry in ClinVar:

ClinVar aggregate classification (germline): Likely benign (1 of 4 stars; one submission).

Conditions:
Triglyceride storage disease with ichthyosis (CDS). Also called: Dorfman-Chanarin disease; ICHTHYOSIFORM ERYTHRODERMA WITH LEUKOCYTE VACUOLATION; TRIGLYCERIDE STORAGE DISEASE WITH IMPAIRED LONG-CHAIN FATTY ACID OXIDATION; Chanarin-Dorfman Syndrome. Identifiers: Orphanet 98907, MedGen C0268238, MONDO:0010155, OMIM 275630.

Allele frequency attached by ClinVar (database versions not stated): 1000 Genomes Project 30x 0.00078; 1000 Genomes Project 0.00100; gnomAD 0.00385 and 0.00394; TOPMed 0.00394.

Submission:

Illumina Laboratory Services, Illumina
Classification: Likely benign for Triglyceride storage disease with ichthyosis. Last evaluated: 2018-01-12. Review status: criteria provided, single submitter. Criteria: ICSL Variant Classification Criteria 13 December 2019. Collection method: clinical testing. Allele origin: germline.
Comment: This variant was observed in the ICSL laboratory as part of a predisposition screen in an ostensibly healthy population. It had not been previously curated by ICSL or reported in the Human Gene Mutation Database (HGMD: prior to June 1st, 2018), and was therefore a candidate for classification through an automated scoring system. Utilizing variant allele frequency, disease prevalence and penetrance estimates, and inheritance mode, an automated score was calculated to assess if this variant is too frequent to cause the disease. Based on the score and internal cut-off values, a variant classified as likely benign is not then subjected to further curation. The score for this variant resulted in a classification of likely benign for this disease.

NM_016006.6(ABHD5):c.*4189C>T

Gene: ABHD5 (abhydrolase domain containing 5, lysophosphatidic acid acyltransferase; plus strand). Cytogenetic location: 3p21.33.
Variant type: single nucleotide variant.
Coding change: c.*4189C>T on transcript NM_016006.6 (MANE Select); 4189 bases downstream of the stop codon, C replaced by T.
Molecular consequence: 3 prime UTR variant. On other transcripts: non-coding transcript variant (1), intron variant (1).
Genome position (GRCh38, 1-based): chr3:43,722,721, C>T. VCF-style: chr3-43722721-C-T. GRCh37 (hg19) VCF-style: chr3-43764213-C-T.
Other names: c.*4189C>T (NM_001365649.1); c.*4215C>T (NM_001365650.1); c.29+4160C>T (NM_001355186.2).
Identifiers: ClinVar variation 345285 (VCV000345285.5), dbSNP rs113711457, ClinGen allele CA10618552.